The following is an entry in ClinVar:

ClinVar aggregate classification (germline): Conflicting classifications of pathogenicity. Review status: criteria provided, conflicting classifications (1 of 4 stars). 9 submissions from 9 submitters: Uncertain significance (1); Likely benign (4). 4 of the submissions do not count toward it. Last evaluated 2025-08-18.

Conditions:
LAMA4-related disorder. Also called: LAMA4-related condition.
Cardiovascular phenotype. Identifiers: MedGen CN230736.
Dilated cardiomyopathy 1JJ (CMD1JJ). Identifiers: Orphanet 154, MedGen C3808935, MONDO:0014095, OMIM 615235.

Allele frequency attached by ClinVar (database versions not stated): gnomAD 0.00045 and 0.00046; ESP Exome Variant Server 0.00062; TOPMed 0.00039.
gnomAD v4.1: 261 of 1,614,076 alleles (0.016%); highest among the groups gnomAD compares: African/African-American, 0.11%; 1 homozygote.

Submissions (9):

Labcorp Genetics (formerly Invitae), Labcorp
Classification: Likely benign for Dilated cardiomyopathy 1JJ. Last evaluated: 2025-08-18. Review status: criteria provided, single submitter. Criteria: Invitae Variant Classification Sherloc (09022015). Collection method: clinical testing. Allele origin: germline.

Women's Health and Genetics/Laboratory Corporation of America, LabCorp
Classification: Likely benign. Last evaluated: 2023-12-10. Review status: criteria provided, single submitter. Criteria: LabCorp Variant Classification Summary - May 2015. Collection method: clinical testing. Allele origin: germline.

Ambry Genetics
Classification: Likely benign for Cardiovascular phenotype. Last evaluated: 2023-03-28. Review status: criteria provided, single submitter. Criteria: Ambry Variant Classification Scheme 2023. Collection method: clinical testing. Allele origin: germline.

GeneDx
Classification: Likely benign. Last evaluated: 2020-10-06. Review status: criteria provided, single submitter. Criteria: GeneDx Variant Classification Process June 2021. Collection method: clinical testing. Allele origin: germline. Affected: yes.

Laboratory for Molecular Medicine, Mass General Brigham Personalized Medicine
Classification: Uncertain significance. Last evaluated: 2014-11-24. Review status: criteria provided, single submitter. Criteria: LMM Criteria. Collection method: clinical testing. Allele origin: germline. Observed: 1 variant allele.
Comment: Variant classified as Uncertain Significance - Favor Benign. The p.Arg1775Cys va riant LAMA4 has not been previously reported in individuals with cardiomyopathy, but has been identified in 0.13% (6/4400) of African American chromosomes by th e NHLBI Exome Sequencing Project (dbSNP rs145 897390). Computational prediction tools and conservation analysis do not provide strong support for or against an impact to the protein. In summary, while the c linical significance of the p.Arg1775Cys variant is uncertain, its frequency sug gests that it is more likely to be benign.

PreventionGenetics, part of Exact Sciences
Classification: Likely benign for LAMA4-related condition. Last evaluated: 2023-05-23. Review status: no assertion criteria provided. Collection method: clinical testing. Allele origin: germline. Not counted in ClinVar's aggregate classification.
Comment: This variant is classified as likely benign based on ACMG/AMP sequence variant interpretation guidelines (Richards et al. 2015 PMID: 25741868, with internal and published modifications).

Clinical Genetics, Academic Medical Center
Classification: Likely benign. Review status: no assertion criteria provided. Collection method: clinical testing. Allele origin: germline. Affected: yes. Study: VKGL Data-share Consensus. Not counted in ClinVar's aggregate classification.

Genome Diagnostics Laboratory, University Medical Center Utrecht
Classification: Likely benign. Review status: no assertion criteria provided. Collection method: clinical testing. Allele origin: germline. Affected: yes. Study: VKGL Data-share Consensus. Not counted in ClinVar's aggregate classification.

Joint Genome Diagnostic Labs from Nijmegen and Maastricht, Radboudumc and MUMC+
Classification: Likely benign. Review status: no assertion criteria provided. Collection method: clinical testing. Allele origin: germline. Affected: yes. Study: VKGL Data-share Consensus. Not counted in ClinVar's aggregate classification.

NM_001105206.3(LAMA4):c.5344C>T (p.Arg1782Cys)

Gene: LAMA4 (laminin subunit alpha 4; minus strand). Cytogenetic location: 6q21.
Variant type: single nucleotide variant.
Coding change: c.5344C>T on transcript NM_001105206.3 (MANE Select); coding-DNA position 5344, C replaced by T.
Protein change: p.Arg1782Cys; replaces arginine 1782 with cysteine.
Molecular consequence: missense variant.
Genome position (GRCh38, 1-based): chr6:112,109,565, G>A on the plus strand (C>T on the coding strand, the complement: LAMA4 is on the minus strand). VCF-style: chr6-112109565-G-A. GRCh37 (hg19) VCF-style: chr6-112430768-G-A.
Other names: p.R1775C:CGC>TGC; c.5323C>T, p.Arg1775Cys (NM_001105207.3, NM_002290.5); short protein forms R1775C, R1782C.
Identifiers: ClinVar variation 178049 (VCV000178049.25), dbSNP rs145897390, ClinGen allele CA295682.